The following is an entry in ClinVar:

NM_000321.3(RB1):c.755C>T (p.Thr252Ile)

Gene: RB1 (RB transcriptional corepressor 1; plus strand). Cytogenetic location: 13q14.2.
Variant type: single nucleotide variant.
Coding change: c.755C>T on transcript NM_000321.3 (MANE Select); coding-DNA position 755, C replaced by T.
Protein change: p.Thr252Ile; replaces threonine 252 with isoleucine.
Molecular consequence: missense variant.
Genome position (GRCh38, 1-based): chr13:48,362,851, C>T. VCF-style: chr13-48362851-C-T. GRCh37 (hg19) VCF-style: chr13-48936987-C-T.
Other names: c.755C>T, p.Thr252Ile (NM_001407165.1, NM_001407166.1); short protein forms T252I.
Identifiers: ClinVar variation 3430939 (VCV003430939.1).

ClinVar aggregate classification (germline): Uncertain significance (1 of 4 stars; one submission).

Conditions:
Hereditary cancer-predisposing syndrome. Also called: Neoplastic Syndromes, Hereditary; Tumor predisposition; Hereditary Cancer Syndrome; Hereditary neoplastic syndrome. Identifiers: Orphanet 140162, MedGen C0027672, MeSH D009386, MONDO:0015356.

Submission:

Ambry Genetics
Classification: Uncertain significance for Hereditary cancer-predisposing syndrome. Last evaluated: 2024-12-10. Review status: criteria provided, single submitter. Criteria: Ambry Variant Classification Scheme 2023. Collection method: clinical testing. Allele origin: germline.
Comment: The p.T252I variant (also known as c.755C>T), located in coding exon 8 of the RB1 gene, results from a C to T substitution at nucleotide position 755. The threonine at codon 252 is replaced by isoleucine, an amino acid with similar properties. This amino acid position is conserved. In addition, the in silico prediction for this alteration is inconclusive. Based on the available evidence, the clinical significance of this variant remains unclear.